The following is an entry in ClinVar:

NM_024426.6(WT1):c.966-3T>C

Gene: WT1 (WT1 transcription factor; minus strand). Cytogenetic location: 11p13.
Variant type: single nucleotide variant.
Coding change: c.966-3T>C on transcript NM_024426.6 (MANE Select); 3 bases into the intron before coding-DNA position 966, T replaced by C.
Molecular consequence: intron variant.
Genome position (GRCh38, 1-based): chr11:32,416,543, A>G on the plus strand (T>C on the coding strand, the complement: WT1 is on the minus strand). VCF-style: chr11-32416543-A-G. GRCh37 (hg19) VCF-style: chr11-32438089-A-G.
Other names: c.842+1034T>C (NM_001407050.1); c.843-3T>C (NM_001407047.1); c.965+1034T>C (NM_001407048.1, NM_001407049.1, NM_000378.6 and 1 more transcripts); c.966-3T>C (NM_001407044.1, NM_001407046.1, NM_024424.5); c.204-3T>C (NM_001407051.1); c.314+1034T>C (NM_001198552.2); c.315-3T>C (NM_001198551.2); c.951-3T>C (NM_024426.4).
Identifiers: ClinVar variation 2932440 (VCV002932440.5), dbSNP rs2494362658, ClinGen allele CA2612987150.
Genomic context (GRCh38, chr11:32,416,543, plus strand): 5'-CACTCACTTGCTCTGCCCTTCTGTCCATTTCACTGAGCTGGAGCTCCCAGCAGCAACTCT[A>G]GAAAAGAAGAAGAGGTGGGGAGTGGGGAATGGAGCATGCATGGATCTGGCAAGCCCCCCA-3'

ClinVar aggregate classification (germline): Conflicting classifications of pathogenicity. Review status: criteria provided, conflicting classifications (1 of 4 stars). 3 submissions from 3 submitters: Uncertain significance (2); Likely benign (1). Last evaluated 2025-06-29.

Conditions:
Drash syndrome (DDS). Also called: NEPHROPATHY, WILMS TUMOR, AND GENITAL ANOMALIES; WILMS TUMOR AND PSEUDO- OR TRUE HERMAPHRODITISM. Identifiers: Orphanet 220, MedGen C0950121, MONDO:0008682, OMIM 194080.
Wilms tumor 1 (WT1). Also called: Wilms tumor, somatic. Identifiers: Orphanet 654, MedGen CN033288, MONDO:0008679, OMIM 194070.
Frasier syndrome. Identifiers: Orphanet 347, MedGen C0950122, MeSH D052159, MONDO:0007635, OMIM 136680.
11p partial monosomy syndrome (WAGR). Also called: CHROMOSOME 11p13 DELETION SYNDROME; WAGR Spectrum Disorder; WAGR syndrome; WAGR Complex. Identifiers: Orphanet 893, MedGen C0206115, MONDO:0008681, OMIM 194072.
Inborn genetic diseases. Identifiers: MedGen C0950123, MeSH D030342.

Allele frequency attached by ClinVar (database versions not stated): gnomAD exomes below 0.00001.
gnomAD v4.1: 1 of 1,614,068 alleles (0.000062%); highest among the groups gnomAD compares: Non-Finnish European, 0.000085%; no homozygotes.

Submissions (3):

Color Diagnostics, LLC DBA Color Health
Classification: Likely benign for Wilms tumor 1. Last evaluated: 2025-06-29. Review status: criteria provided, single submitter. Criteria: ACMG Guidelines, 2015. Collection method: clinical testing. Allele origin: germline.

Ambry Genetics
Classification: Uncertain significance for Inborn genetic diseases. Last evaluated: 2024-12-10. Review status: criteria provided, single submitter. Criteria: Ambry Variant Classification Scheme 2023. Collection method: clinical testing. Allele origin: germline.
Comment: The c.951-3T>C intronic variant results from a T to C substitution 3 nucleotides upstream from coding exon 5 in the WT1 gene. This nucleotide position is highly conserved in available vertebrate species. In silico splice site analysis predicts that this alteration will not have any significant effect on splicing. Based on the available evidence, the clinical significance of this variant remains unclear.

Labcorp Genetics (formerly Invitae), Labcorp
Classification: Uncertain significance for Wilms tumor 1; Drash syndrome; 11p partial monosomy syndrome; Frasier syndrome. Last evaluated: 2022-11-15. Review status: criteria provided, single submitter. Criteria: Invitae Variant Classification Sherloc (09022015). Collection method: clinical testing. Allele origin: germline.
Comment: This sequence change falls in intron 4 of the WT1 gene. It does not directly change the encoded amino acid sequence of the WT1 protein. It affects a nucleotide within the consensus splice site. This variant is not present in population databases (gnomAD no frequency). This variant has not been reported in the literature in individuals affected with WT1-related conditions. Variants that disrupt the consensus splice site are a relatively common cause of aberrant splicing (PMID: 17576681, 9536098). Algorithms developed to predict the effect of sequence changes on RNA splicing suggest that this variant is not likely to affect RNA splicing. In summary, the available evidence is currently insufficient to determine the role of this variant in disease. Therefore, it has been classified as a Variant of Uncertain Significance.

Literature cited by the submitters: PubMed 17576681 (cited by Labcorp Genetics (formerly Invitae), Labcorp); PubMed 9536098 (cited by Labcorp Genetics (formerly Invitae), Labcorp).